The following is an entry in ClinVar:

ClinVar aggregate classification (germline): Uncertain significance. Review status: criteria provided, multiple submitters, no conflicts (2 of 4 stars). 2 submissions from 2 submitters: Uncertain significance (2). Last evaluated 2025-04-18.

Conditions:
Inborn genetic diseases. Identifiers: MedGen C0950123, MeSH D030342.

Allele frequency attached by ClinVar (database versions not stated): gnomAD exomes 0.00001 and 0.00002; ExAC 0.00002; gnomAD 0.00007; TOPMed 0.00007.
gnomAD v4.1: 18 of 1,613,926 alleles (0.0011%); highest among the groups gnomAD compares: African/African-American, 0.024%; no homozygotes.

Submissions (2):

Ambry Genetics
Classification: Uncertain significance for Inborn genetic diseases. Last evaluated: 2025-04-18. Review status: criteria provided, single submitter. Criteria: Ambry Variant Classification Scheme 2023. Collection method: clinical testing. Allele origin: germline.

Labcorp Genetics (formerly Invitae), Labcorp
Classification: Uncertain significance. Last evaluated: 2025-03-20. Review status: criteria provided, single submitter. Criteria: Invitae Variant Classification Sherloc (09022015). Collection method: clinical testing. Allele origin: germline.
Comment: This sequence change replaces aspartic acid, which is acidic and polar, with asparagine, which is neutral and polar, at codon 560 of the CSF2RB protein (p.Asp560Asn). This variant is present in population databases (rs756621742, gnomAD 0.03%). This variant has not been reported in the literature in individuals affected with CSF2RB-related conditions. ClinVar contains an entry for this variant (Variation ID: 1412857). Invitae Evidence Modeling of protein sequence and biophysical properties (such as structural, functional, and spatial information, amino acid conservation, physicochemical variation, residue mobility, and thermodynamic stability) indicates that this missense variant is not expected to disrupt CSF2RB protein function with a negative predictive value of 80%. In summary, the available evidence is currently insufficient to determine the role of this variant in disease. Therefore, it has been classified as a Variant of Uncertain Significance.

NM_000395.3(CSF2RB):c.1678G>A (p.Asp560Asn)

Gene: CSF2RB (colony stimulating factor 2 receptor subunit beta; plus strand). Cytogenetic location: 22q12.3.
Variant type: single nucleotide variant.
Coding change: c.1678G>A on transcript NM_000395.3 (MANE Select); coding-DNA position 1678, G replaced by A.
Protein change: p.Asp560Asn; replaces aspartic acid 560 with asparagine.
Molecular consequence: missense variant.
Genome position (GRCh38, 1-based): chr22:36,937,486, G>A. VCF-style: chr22-36937486-G-A. GRCh37 (hg19) VCF-style: chr22-37333528-G-A.
Other names: c.1678G>A (NM_000395.2); short protein forms D560N.
Identifiers: ClinVar variation 1412857 (VCV001412857.10), dbSNP rs756621742, ClinGen allele CA10213961.